The following is an entry in ClinVar:

ClinVar aggregate classification (germline): Likely benign (0 of 4 stars; one submission).

Conditions:
FBN1-related disorder. Also called: FBN1-related disorders.

Submission:

PreventionGenetics, part of Exact Sciences
Classification: Likely benign for FBN1-related condition. Last evaluated: 2020-10-27. Review status: no assertion criteria provided. Collection method: clinical testing. Allele origin: germline.
Comment: This variant is classified as likely benign based on ACMG/AMP sequence variant interpretation guidelines (Richards et al. 2015 PMID: 25741868, with internal and published modifications).

NM_000138.5(FBN1):c.863-7A>C

Gene: FBN1 (fibrillin 1; minus strand). Cytogenetic location: 15q21.1.
Variant type: single nucleotide variant.
Coding change: c.863-7A>C on transcript NM_000138.5 (MANE Select); 7 bases into the intron before coding-DNA position 863, A replaced by C.
Molecular consequence: intron variant.
Genome position (GRCh38, 1-based): chr15:48,526,262, T>G on the plus strand (A>C on the coding strand, the complement: FBN1 is on the minus strand). VCF-style: chr15-48526262-T-G. GRCh37 (hg19) VCF-style: chr15-48818459-T-G.
Other names: c.863-7A>C (NM_001406716.1).
Identifiers: ClinVar variation 3032119 (VCV003032119.2), dbSNP rs771131700, ClinGen allele CA2740096600.